The following is an entry in ClinVar:

NM_006939.4(SOS2):c.213+37C>G

Gene: SOS2 (SOS Ras/Rho guanine nucleotide exchange factor 2; minus strand). Cytogenetic location: 14q21.3.
Variant type: single nucleotide variant.
Coding change: c.213+37C>G on transcript NM_006939.4 (MANE Select); 37 bases into the intron after coding-DNA position 213, C replaced by G.
Molecular consequence: intron variant.
Genome position (GRCh38, 1-based): chr14:50,204,247, G>C on the plus strand (C>G on the coding strand, the complement: SOS2 is on the minus strand). VCF-style: chr14-50204247-G-C. GRCh37 (hg19) VCF-style: chr14-50670965-G-C.
Identifiers: ClinVar variation 561519 (VCV000561519.4), dbSNP rs1075537, ClinGen allele CA7177589.
Genomic context (GRCh38, chr14:50,204,247, plus strand): 5'-TGGTTTTAGTTTTCACAATAAATTAGAATGATATAGATACAAAAATTAATTCATACAGTG[G>C]TTGAGTGACTTTTTGAAATGACAAAATAATTTTTACCTCTACATCTTGAACAGTCCTTGG-3'

ClinVar aggregate classification (germline): Benign. Review status: criteria provided, multiple submitters, no conflicts (2 of 4 stars). 3 submissions from 3 submitters: Benign (3). Last evaluated 2021-07-15.

Conditions:
Noonan syndrome 9 (NS9). Identifiers: Orphanet 648, MedGen C4225282, MONDO:0014691, OMIM 616559.

Allele frequency attached by ClinVar (database versions not stated): 1000 Genomes Project 30x 0.85775; 1000 Genomes Project 0.85783; ESP Exome Variant Server 0.88225; ExAC 0.88328; gnomAD 0.88476 and 0.88797; gnomAD exomes 0.88622; TOPMed 0.88800.
gnomAD v4.1: 1,261,138 of 1,418,326 alleles (89%); highest among the groups gnomAD compares: Admixed American, 92%; 561,864 homozygotes.

Submissions (3):

Genome-Nilou Lab
Classification: Benign for Noonan syndrome 9. Last evaluated: 2021-07-15. Review status: criteria provided, single submitter. Criteria: ACMG Guidelines, 2015. Collection method: clinical testing. Allele origin: germline. Affected: no.

GeneDx
Classification: Benign. Last evaluated: 2018-06-14. Review status: criteria provided, single submitter. Criteria: GeneDx Variant Classification (06012015). Collection method: clinical testing. Allele origin: germline. Affected: yes.
Comment: This variant is considered likely benign or benign based on one or more of the following criteria: it is a conservative change, it occurs at a poorly conserved position in the protein, it is predicted to be benign by multiple in silico algorithms, and/or has population frequency not consistent with disease.

Breakthrough Genomics
Classification: Benign. Review status: criteria provided, single submitter. Criteria: ACMG Guidelines, 2015. Collection method: not provided. Allele origin: germline. Inheritance: Autosomal dominant inheritance. Affected: yes.